The following is an entry in ClinVar:

ClinVar aggregate classification (germline): Conflicting classifications of pathogenicity. Review status: criteria provided, conflicting classifications (1 of 4 stars). 3 submissions from 3 submitters: Uncertain significance (2); Likely benign (1). Last evaluated 2025-08-26.

Conditions:
Inborn genetic diseases. Identifiers: MedGen C0950123, MeSH D030342.

Submissions (3):

Labcorp Genetics (formerly Invitae), Labcorp
Classification: Uncertain significance. Last evaluated: 2025-08-26. Review status: criteria provided, single submitter. Criteria: Invitae Variant Classification Sherloc (09022015). Collection method: clinical testing. Allele origin: germline.
Comment: This sequence change replaces methionine, which is neutral and non-polar, with threonine, which is neutral and polar, at codon 1336 of the ANKRD26 protein (p.Met1336Thr). This variant is not present in population databases (gnomAD no frequency). This variant has not been reported in the literature in individuals affected with ANKRD26-related conditions. ClinVar contains an entry for this variant (Variation ID: 3361658). An algorithm developed to predict the effect of missense changes on protein structure and function outputs the following: PolyPhen-2: "Benign". The threonine amino acid residue is found in multiple mammalian species, which suggests that this missense change does not adversely affect protein function. In summary, the available evidence is currently insufficient to determine the role of this variant in disease. Therefore, it has been classified as a Variant of Uncertain Significance.

Ambry Genetics
Classification: Likely benign for Inborn genetic diseases. Last evaluated: 2025-01-20. Review status: criteria provided, single submitter. Criteria: Ambry Variant Classification Scheme 2023. Collection method: clinical testing. Allele origin: germline.

GeneDx
Classification: Uncertain significance. Last evaluated: 2023-07-27. Review status: criteria provided, single submitter. Criteria: GeneDx Variant Classification Process June 2021. Collection method: clinical testing. Allele origin: germline. Affected: yes.
Comment: Not observed at significant frequency in large population cohorts (gnomAD); In silico analysis supports that this missense variant does not alter protein structure/function; Has not been previously published as pathogenic or benign to our knowledge

NM_014915.3(ANKRD26):c.4007T>C (p.Met1336Thr)

Gene: ANKRD26 (ankyrin repeat domain 26; minus strand). Cytogenetic location: 10p12.1.
Variant type: single nucleotide variant.
Coding change: c.4007T>C on transcript NM_014915.3 (MANE Select); coding-DNA position 4007, T replaced by C.
Protein change: p.Met1336Thr; replaces methionine 1336 with threonine.
Molecular consequence: missense variant.
Genome position (GRCh38, 1-based): chr10:27,024,525, A>G on the plus strand (T>C on the coding strand, the complement: ANKRD26 is on the minus strand). VCF-style: chr10-27024525-A-G. GRCh37 (hg19) VCF-style: chr10-27313454-A-G.
Other names: c.4004T>C, p.Met1335Thr (NM_001256053.2); short protein forms M1335T, M1336T.
Identifiers: ClinVar variation 3361658 (VCV003361658.3).